The following is an entry in ClinVar:

NM_003126.4(SPTA1):c.6647T>C (p.Ile2216Thr)

Gene: SPTA1 (spectrin alpha, erythrocytic 1; minus strand). Cytogenetic location: 1q23.1.
Variant type: single nucleotide variant.
Coding change: c.6647T>C on transcript NM_003126.4 (MANE Select); coding-DNA position 6647, T replaced by C.
Protein change: p.Ile2216Thr; replaces isoleucine 2216 with threonine.
Molecular consequence: missense variant.
Genome position (GRCh38, 1-based): chr1:158,615,357, A>G on the plus strand (T>C on the coding strand, the complement: SPTA1 is on the minus strand). VCF-style: chr1-158615357-A-G. GRCh37 (hg19) VCF-style: chr1-158585147-A-G.
Other names: short protein forms I2216T.
Identifiers: ClinVar variation 4761147 (VCV004761147.1).
Genomic context (GRCh38, chr1:158,615,357, plus strand): 5'-ATGGTGCTGTATTTGATATCAAGGATCAGAGCGTCTTCCAAGTTGTCCCCCAGGTCCACA[A>G]TCTTGGTTAGTTGACGCTTCATCGCCTGGATCTCCTTCTGTTTTCTCTGGAAAAACGACA-3'
Protein context (NP_003117.2, residues 2206-2226): IQAMKRQLTK[Ile2216Thr]VDLGDNLEDA

ClinVar aggregate classification (germline): Uncertain significance (1 of 4 stars; one submission).

gnomAD v4.1: 7 of 1,613,986 alleles (0.00043%); highest among the groups gnomAD compares: Admixed American, 0.0033%; no homozygotes.

Submission:

Labcorp Genetics (formerly Invitae), Labcorp
Classification: Uncertain significance. Last evaluated: 2025-05-30. Review status: criteria provided, single submitter. Criteria: Invitae Variant Classification Sherloc (09022015). Collection method: clinical testing. Allele origin: germline.
Comment: This sequence change replaces isoleucine, which is neutral and non-polar, with threonine, which is neutral and polar, at codon 2216 of the SPTA1 protein (p.Ile2216Thr). This variant is present in population databases (rs530678865, gnomAD 0.006%). This variant has not been reported in the literature in individuals affected with SPTA1-related conditions. Invitae Evidence Modeling of protein sequence and biophysical properties (such as structural, functional, and spatial information, amino acid conservation, physicochemical variation, residue mobility, and thermodynamic stability) indicates that this missense variant is expected to disrupt SPTA1 protein function with a positive predictive value of 80%. In summary, the available evidence is currently insufficient to determine the role of this variant in disease. Therefore, it has been classified as a Variant of Uncertain Significance.